The following is an entry in ClinVar:

NM_001845.6(COL4A1):c.4282G>A (p.Asp1428Asn)

Gene: COL4A1 (collagen type IV alpha 1 chain; minus strand). Cytogenetic location: 13q34.
Variant type: single nucleotide variant.
Coding change: c.4282G>A on transcript NM_001845.6 (MANE Select); coding-DNA position 4282, G replaced by A.
Protein change: p.Asp1428Asn; replaces aspartic acid 1428 with asparagine.
Molecular consequence: missense variant.
Genome position (GRCh38, 1-based): chr13:110,162,410, C>T on the plus strand (G>A on the coding strand, the complement: COL4A1 is on the minus strand). VCF-style: chr13-110162410-C-T. GRCh37 (hg19) VCF-style: chr13-110814757-C-T.
Other names: short protein forms D1428N.
Identifiers: ClinVar variation 2739977 (VCV002739977.3), dbSNP rs747393485, ClinGen allele CA7046961.

ClinVar aggregate classification (germline): Uncertain significance (1 of 4 stars; one submission).

Allele frequency attached by ClinVar (database versions not stated): gnomAD 0.00001; ExAC 0.00002; gnomAD exomes 0.00002; TOPMed 0.00002.
gnomAD v4.1: 27 of 1,614,068 alleles (0.0017%); highest among the groups gnomAD compares: South Asian, 0.023%; no homozygotes.

Submission:

Labcorp Genetics (formerly Invitae), Labcorp
Classification: Uncertain significance. Last evaluated: 2025-01-29. Review status: criteria provided, single submitter. Criteria: Invitae Variant Classification Sherloc (09022015). Collection method: clinical testing. Allele origin: germline.
Comment: This sequence change replaces aspartic acid, which is acidic and polar, with asparagine, which is neutral and polar, at codon 1428 of the COL4A1 protein (p.Asp1428Asn). This variant is present in population databases (rs747393485, gnomAD 0.02%). This variant has not been reported in the literature in individuals affected with COL4A1-related conditions. ClinVar contains an entry for this variant (Variation ID: 2739977). Invitae Evidence Modeling of protein sequence and biophysical properties (such as structural, functional, and spatial information, amino acid conservation, physicochemical variation, residue mobility, and thermodynamic stability) indicates that this missense variant is not expected to disrupt COL4A1 protein function with a negative predictive value of 95%. In summary, the available evidence is currently insufficient to determine the role of this variant in disease. Therefore, it has been classified as a Variant of Uncertain Significance.